The following is an entry in ClinVar:

ClinVar aggregate classification (germline): Pathogenic (1 of 4 stars; one submission).

Conditions:
TH-deficient dopa-responsive dystonia. Also called: Segawa syndrome, autosomal recessive; Tyrosine Hydroxylase-Deficient Dopa-Responsive Dystonia; DYT-TH. Identifiers: Orphanet 101150, MedGen C2673535, MONDO:0011551, OMIM 605407.

Submission:

Myriad Genetics, Inc.
Classification: Pathogenic for TH-deficient dopa-responsive dystonia. Last evaluated: 2023-08-11. Review status: criteria provided, single submitter. Criteria: Myriad Autosomal Dominant, Autosomal Recessive and X-Linked Classification Criteria (2023). Collection method: clinical testing. Allele origin: unknown.
Comment: NM_199292.2(TH):c.507_508ins17(G170Cfs*3) is expected to be pathogenic in the context of tyrosine hydroxylase deficiency. This variant is predicted to lead to an abnormal or absent protein product due to the creation of a premature termination codon in TH, a gene where loss-of-function variants are known to be pathogenic. Please note: this variant was assessed in the context of healthy population screening.

NM_000360.4(TH):c.414_415insTGTGTATAAGAGACAGT (p.Gly139delinsCysValTer)

Gene: TH (tyrosine hydroxylase; minus strand). Cytogenetic location: 11p15.5.
Variant type: Insertion.
Coding change: c.414_415insTGTGTATAAGAGACAGT on transcript NM_000360.4 (MANE Select); coding-DNA positions 414 to 415, TGTGTATAAGAGACAGT inserted.
Protein change: p.Gly139delinsCysValTer.
Molecular consequence: nonsense.
Genome position: GRCh38 VCF-style: chr11-2168563-C-CACTGTCTCTTATACACA. GRCh37 (hg19) VCF-style: chr11-2189793-C-CACTGTCTCTTATACACA.
Other names: c.426_427insTGTGTATAAGAGACAGT, p.Gly143delinsCysValTer (NM_001440535.1, NM_001440536.1); c.414_415insTGTGTATAAGAGACAGT, p.Gly139delinsCysValTer (NM_001440537.1); c.507_508insTGTGTATAAGAGACAGT, p.Gly170delinsCysValTer (NM_199292.3); c.495_496insTGTGTATAAGAGACAGT, p.Gly166delinsCysValTer (NM_199293.3).
Identifiers: ClinVar variation 5011320 (VCV005011320.1).